The following is an entry in ClinVar:

NM_000130.5(F5):c.2142A>G (p.Glu714=)

Gene: F5 (coagulation factor V; minus strand). Cytogenetic location: 1q24.2.
Variant type: single nucleotide variant.
Coding change: c.2142A>G on transcript NM_000130.5 (MANE Select); coding-DNA position 2142, A replaced by G.
Protein change: p.Glu714=; no amino-acid change (glutamic acid 714 retained).
Molecular consequence: synonymous variant.
Genome position (GRCh38, 1-based): chr1:169,542,948, T>C on the plus strand (A>G on the coding strand, the complement: F5 is on the minus strand). VCF-style: chr1-169542948-T-C. GRCh37 (hg19) VCF-style: chr1-169512186-T-C.
Identifiers: ClinVar variation 745967 (VCV000745967.27), dbSNP rs59779968, ClinGen allele CA1234141.

ClinVar aggregate classification (germline): Benign/Likely benign. Review status: criteria provided, multiple submitters, no conflicts (2 of 4 stars). 4 submissions from 4 submitters: Benign (1); Likely benign (3). Last evaluated 2026-07-01.

Conditions:
Inborn genetic diseases. Identifiers: MedGen C0950123, MeSH D030342.
Congenital factor V deficiency. Also called: Hereditary factor V deficiency disease; LABILE FACTOR DEFICIENCY; OWREN PARAHEMOPHILIA; PARAHEMOPHILIA. Identifiers: Orphanet 326, MedGen C0015499, MONDO:0009210, OMIM 227400.

Allele frequency attached by ClinVar (database versions not stated): gnomAD exomes 0.00016 and 0.00043; ExAC 0.00054; gnomAD 0.00163 and 0.00164; ESP Exome Variant Server 0.00177; TOPMed 0.00182; 1000 Genomes Project 0.00240; 1000 Genomes Project 30x 0.00344.
gnomAD v4.1: 513 of 1,614,100 alleles (0.032%); highest among the groups gnomAD compares: African/African-American, 0.55%; 2 homozygotes.

Submissions (4):

CeGaT Center for Human Genetics Tuebingen
Classification: Likely benign. Last evaluated: 2026-07-01. Review status: criteria provided, single submitter. Criteria: CeGaT Center For Human Genetics Tuebingen Variant Classification Criteria Version 2. Collection method: clinical testing. Allele origin: germline. Affected: yes. Observed: 2 variant alleles.
Comment: F5: BP4

Labcorp Genetics (formerly Invitae), Labcorp
Classification: Benign for Congenital factor V deficiency. Last evaluated: 2025-11-12. Review status: criteria provided, single submitter. Criteria: Invitae Variant Classification Sherloc (09022015). Collection method: clinical testing. Allele origin: germline.

Blueprint Genetics
Classification: Likely benign. Last evaluated: 2024-05-09. Review status: criteria provided, single submitter. Criteria: ACMG Guidelines, 2015. Collection method: clinical testing. Allele origin: germline.

Ambry Genetics
Classification: Likely benign for Inborn genetic diseases. Last evaluated: 2022-06-02. Review status: criteria provided, single submitter. Criteria: Ambry Variant Classification Scheme 2023. Collection method: clinical testing. Allele origin: germline.